The following is an entry in ClinVar:

ClinVar aggregate classification (germline): Uncertain significance. Review status: criteria provided, multiple submitters, no conflicts (2 of 4 stars). 2 submissions from 2 submitters: Uncertain significance (2). Last evaluated 2024-09-25.

Conditions:
Surfactant metabolism dysfunction, pulmonary, 4 (SMDP4). Also called: CSF2RA DEFICIENCY; PAP DUE TO CSF2RA DEFICIENCY; PULMONARY ALVEOLAR PROTEINOSIS, CONGENITAL, 4. Identifiers: Orphanet 264675, MedGen C2677877, MONDO:0010424, OMIM 300770.

Allele frequency attached by ClinVar (database versions not stated): gnomAD 0.00001.
gnomAD v4.1: 4 of 1,613,568 alleles (0.00025%); highest among the groups gnomAD compares: Admixed American, 0.0017%; no homozygotes.

Submissions (2):

Blueprint Genetics
Classification: Uncertain significance. Last evaluated: 2024-09-25. Review status: criteria provided, single submitter. Criteria: ACMG Guidelines, 2015. Collection method: clinical testing. Allele origin: germline.

Labcorp Genetics (formerly Invitae), Labcorp
Classification: Uncertain significance for Surfactant metabolism dysfunction, pulmonary, 4. Last evaluated: 2024-08-30. Review status: criteria provided, single submitter. Criteria: Invitae Variant Classification Sherloc (09022015). Collection method: clinical testing. Allele origin: germline.
Comment: This sequence change replaces threonine, which is neutral and polar, with methionine, which is neutral and non-polar, at codon 187 of the CSF2RA protein (p.Thr187Met). This variant is present in population databases (no rsID available, gnomAD 0.01%). This variant has not been reported in the literature in individuals affected with CSF2RA-related conditions. Invitae Evidence Modeling of protein sequence and biophysical properties (such as structural, functional, and spatial information, amino acid conservation, physicochemical variation, residue mobility, and thermodynamic stability) indicates that this missense variant is not expected to disrupt CSF2RA protein function with a negative predictive value of 80%. In summary, the available evidence is currently insufficient to determine the role of this variant in disease. Therefore, it has been classified as a Variant of Uncertain Significance.

NM_172245.4(CSF2RA):c.560C>T (p.Thr187Met)

Gene: CSF2RA (colony stimulating factor 2 receptor subunit alpha; plus strand). Cytogenetic location: Xp22.33.
Variant type: single nucleotide variant.
Coding change: c.560C>T on transcript NM_172245.4 (MANE Select); coding-DNA position 560, C replaced by T.
Protein change: p.Thr187Met; replaces threonine 187 with methionine.
Molecular consequence: missense variant. On other transcripts: non-coding transcript variant (1).
Genome position (GRCh38, 1-based): chrX:1,290,423, C>T. VCF-style: chrX-1290423-C-T. GRCh37 (hg19) VCF-style: chrX-1409316-C-T.
Other names: c.560C>T, p.Thr187Met (NM_001161529.2, NM_001161530.2, NM_001161531.2 and 21 more transcripts); c.161C>T, p.Thr54Met (NM_001161532.2); short protein forms T187M, T54M.
Identifiers: ClinVar variation 3021408 (VCV003021408.4), dbSNP rs758879393, ClinGen allele CA10330866.